The following is an entry in ClinVar:

ClinVar aggregate classification (germline): Uncertain significance. Review status: criteria provided, multiple submitters, no conflicts (2 of 4 stars). 4 submissions from 4 submitters: Uncertain significance (4). Last evaluated 2025-10-06.

Conditions:
POLD1-related polyposis and colorectal cancer syndrome (CRCS10). Also called: Colorectal cancer 10; COLORECTAL CANCER, SUSCEPTIBILITY TO, ON CHROMOSOME 19q; Colorectal cancer, susceptibility to, 10. Identifiers: Orphanet 220460, MedGen C2675481, MONDO:0012953, OMIM 612591.
Hereditary cancer-predisposing syndrome. Also called: Hereditary neoplastic syndrome; Tumor predisposition; Neoplastic Syndromes, Hereditary; Hereditary Cancer Syndrome. Identifiers: Orphanet 140162, MedGen C0027672, MeSH D009386, MONDO:0015356.
Immunodeficiency 120. Identifiers: MedGen C5935622, MONDO:0970994, OMIM 620836.
Mandibular hypoplasia-deafness-progeroid syndrome. Also called: Mandibular hypoplasia, deafness, progeroid features, and lipodystrophy syndrome. Identifiers: Orphanet 363649, MedGen C3715192, MONDO:0014157, OMIM 615381.

Allele frequency attached by ClinVar (database versions not stated): gnomAD exomes below 0.00001.
gnomAD v4.1: 2 of 1,614,066 alleles (0.00012%); highest among the groups gnomAD compares: Non-Finnish European, 0.000085%; no homozygotes.

Submissions (4):

Labcorp Genetics (formerly Invitae), Labcorp
Classification: Uncertain significance for POLD1-related polyposis and colorectal cancer syndrome. Last evaluated: 2025-10-06. Review status: criteria provided, single submitter. Criteria: Invitae Variant Classification Sherloc (09022015). Collection method: clinical testing. Allele origin: germline.
Comment: This sequence change replaces proline, which is neutral and non-polar, with serine, which is neutral and polar, at codon 390 of the POLD1 protein (p.Pro390Ser). This variant is not present in population databases (gnomAD no frequency). This variant has not been reported in the literature in individuals affected with POLD1-related conditions. ClinVar contains an entry for this variant (Variation ID: 949429). Invitae Evidence Modeling of protein sequence and biophysical properties (such as structural, functional, and spatial information, amino acid conservation, physicochemical variation, residue mobility, and thermodynamic stability) indicates that this missense variant is expected to disrupt POLD1 protein function with a positive predictive value of 80%. In summary, the available evidence is currently insufficient to determine the role of this variant in disease. Therefore, it has been classified as a Variant of Uncertain Significance.

Ambry Genetics
Classification: Uncertain significance for Hereditary cancer-predisposing syndrome. Last evaluated: 2025-03-28. Review status: criteria provided, single submitter. Criteria: Ambry Variant Classification Scheme 2023. Collection method: clinical testing. Allele origin: germline.
Comment: The p.P390S variant (also known as c.1168C>T), located in coding exon 9 of the POLD1 gene, results from a C to T substitution at nucleotide position 1168. The proline at codon 390 is replaced by serine, an amino acid with similar properties. This amino acid position is highly conserved in available vertebrate species. In addition, the in silico prediction for this alteration is inconclusive. Based on the available evidence, the clinical significance of this variant remains unclear.

Center for Genomic Medicine, Rigshospitalet, Copenhagen University Hospital
Classification: Uncertain significance. Last evaluated: 2025-03-04. Review status: criteria provided, single submitter. Criteria: ACMG Guidelines, 2015. Collection method: clinical testing. Allele origin: germline.

Fulgent Genetics
Classification: Uncertain significance for POLD1-related polyposis and colorectal cancer syndrome; Mandibular hypoplasia-deafness-progeroid syndrome; Immunodeficiency 120. Last evaluated: 2024-05-14. Review status: criteria provided, single submitter. Criteria: ACMG Guidelines, 2015. Collection method: clinical testing. Allele origin: germline.

NM_002691.4(POLD1):c.1168C>T (p.Pro390Ser)

Gene: POLD1 (DNA polymerase delta 1, catalytic subunit; plus strand). Cytogenetic location: 19q13.33.
Variant type: single nucleotide variant.
Coding change: c.1168C>T on transcript NM_002691.4 (MANE Select); coding-DNA position 1168, C replaced by T.
Protein change: p.Pro390Ser; replaces proline 390 with serine.
Molecular consequence: missense variant. On other transcripts: non-coding transcript variant (1).
Genome position (GRCh38, 1-based): chr19:50,403,523, C>T. VCF-style: chr19-50403523-C-T. GRCh37 (hg19) VCF-style: chr19-50906780-C-T.
Other names: c.1168C>T, p.Pro390Ser (NM_001256849.1, NM_001308632.1); c.1168C>T (NM_002691.2); short protein forms P390S.
Identifiers: ClinVar variation 949429 (VCV000949429.19), dbSNP rs2038747136, ClinGen allele CA406978490.